The following is an entry in ClinVar:

ClinVar aggregate classification (germline): Uncertain significance (1 of 4 stars; one submission).

Submission:

OLLIN Analises Genomicas, OLLIN
Classification: Uncertain significance. Last evaluated: 2026-08-06. Review status: criteria provided, single submitter. Criteria: ACMG Guidelines 2015 PMID 25741868. Collection method: clinical testing. Allele origin: germline.
Comment: This missense variant, located in exon 2 (of 20), is absent from gnomAD and ClinVar and has not been identified in the literature. In silico analysis predicts that this variant has a tolerated effect. This gene is constrained for missense variation. According to the currently available evidence, this variant has been classified as uncertain significance (PM2_P, PP2, BP4).

NM_003659.4(AGPS):c.276A>C (p.Lys92Asn)

Gene: AGPS (alkylglycerone phosphate synthase; plus strand). Cytogenetic location: 2q31.2.
Variant type: single nucleotide variant.
Coding change: c.276A>C on transcript NM_003659.4 (MANE Select); coding-DNA position 276, A replaced by C.
Protein change: p.Lys92Asn; replaces lysine 92 with asparagine.
Molecular consequence: missense variant.
Genome position (GRCh38, 1-based): chr2:177,420,284, A>C. VCF-style: chr2-177420284-A-C. GRCh37 (hg19) VCF-style: chr2-178285012-A-C.
Other names: short protein forms K92N.
Identifiers: ClinVar variation 5002928 (VCV005002928.1).
Genomic context (GRCh38, chr2:177,420,284, plus strand): 5'-GATGTTTAGCATTGGTCTCACTTATATATATTTTCTTCTCACTAGGCAAGAAGTTATGAA[A>C]TGGAATGGATGGGGATATAATGATTCTAAATTCATCTTCAATAAGAAGGGCCAAATTGAA-3'
Protein context (NP_003650.1, residues 82-102): TIPKKRQEVM[Lys92Asn]WNGWGYNDSK